The following is an entry in ClinVar:

ClinVar aggregate classification (germline): Uncertain significance. Review status: criteria provided, multiple submitters, no conflicts (2 of 4 stars). 2 submissions from 2 submitters: Uncertain significance (2). Last evaluated 2023-04-07.

Conditions:
Inborn genetic diseases. Identifiers: MedGen C0950123, MeSH D030342.

Allele frequency attached by ClinVar (database versions not stated): gnomAD exomes below 0.00001; TOPMed below 0.00001.
gnomAD v4.1: 2 of 1,063,860 alleles (0.00019%); highest among the groups gnomAD compares: Non-Finnish European, 0.00023%; no homozygotes.

Submissions (2):

Ambry Genetics
Classification: Uncertain significance for Inborn genetic diseases. Last evaluated: 2023-04-07. Review status: criteria provided, single submitter. Criteria: Ambry Variant Classification Scheme 2023. Collection method: clinical testing. Allele origin: germline.

GeneDx
Classification: Uncertain significance. Last evaluated: 2022-12-17. Review status: criteria provided, single submitter. Criteria: GeneDx Variant Classification Process June 2021. Collection method: clinical testing. Allele origin: germline. Affected: yes.
Comment: Not observed at significant frequency in large population cohorts (gnomAD); In silico analysis supports that this missense variant does not alter protein structure/function; Has not been previously published as pathogenic or benign to our knowledge

NM_006236.3(POU3F3):c.410C>A (p.Pro137Gln)

Gene: POU3F3 (POU class 3 homeobox 3; plus strand). Cytogenetic location: 2q12.1.
Variant type: single nucleotide variant.
Coding change: c.410C>A on transcript NM_006236.3 (MANE Select); coding-DNA position 410, C replaced by A.
Protein change: p.Pro137Gln; replaces proline 137 with glutamine.
Molecular consequence: missense variant.
Genome position (GRCh38, 1-based): chr2:104,855,920, C>A. VCF-style: chr2-104855920-C-A. GRCh37 (hg19) VCF-style: chr2-105472378-C-A.
Other names: short protein forms P137Q.
Identifiers: ClinVar variation 1723837 (VCV001723837.4), dbSNP rs1336850302, ClinGen allele CA348096690.